The following is an entry in ClinVar:

NM_053025.4(MYLK):c.4110C>G (p.Ile1370Met)

Gene: MYLK (myosin light chain kinase; minus strand). Cytogenetic location: 3q21.1.
Variant type: single nucleotide variant.
Coding change: c.4110C>G on transcript NM_053025.4 (MANE Select); coding-DNA position 4110, C replaced by G.
Protein change: p.Ile1370Met; replaces isoleucine 1370 with methionine.
Molecular consequence: missense variant.
Genome position (GRCh38, 1-based): chr3:123,657,304, G>C on the plus strand (C>G on the coding strand, the complement: MYLK is on the minus strand). VCF-style: chr3-123657304-G-C. GRCh37 (hg19) VCF-style: chr3-123376151-G-C.
Other names: c.3582C>G, p.Ile1194Met (NM_001321309.2); c.3903C>G, p.Ile1301Met (NM_053026.4, NM_053028.4); c.4110C>G, p.Ile1370Met (NM_053027.4); short protein forms I1370M, I1301M, I1194M.
Identifiers: ClinVar variation 451280 (VCV000451280.3), dbSNP rs199971683, ClinGen allele CA82924739.

ClinVar aggregate classification (germline): Uncertain significance. Review status: criteria provided, multiple submitters, no conflicts (2 of 4 stars). 2 submissions from 2 submitters: Uncertain significance (2). Last evaluated 2024-03-20.

Allele frequency attached by ClinVar (database versions not stated): gnomAD exomes below 0.00001 and 0.00002; TOPMed below 0.00001; gnomAD 0.00001.
gnomAD v4.1: 23 of 1,614,016 alleles (0.0014%); highest among the groups gnomAD compares: Non-Finnish European, 0.0019%; no homozygotes.

Submissions (2):

ARUP Laboratories, Molecular Genetics and Genomics, ARUP Laboratories
Classification: Uncertain significance. Last evaluated: 2024-03-20. Review status: criteria provided, single submitter. Criteria: ARUP Molecular Germline Variant Investigation Process 2024. Collection method: clinical testing. Allele origin: germline.
Comment: The MYLK c.4110C>G; p.Ile1370Met variant (rs199971683), to our knowledge, is not reported in the medical literature but is reported in ClinVar (Variation ID: 451280). This variant is only observed on two alleles in the Genome Aggregation Database (v2.1.1), indicating it is not a common polymorphism. Computational analyses predict that this variant is neutral (REVEL: 0.114). Due to limited information, the clinical significance of this variant is uncertain at this time.

GeneDx
Classification: Uncertain significance. Last evaluated: 2017-08-15. Review status: criteria provided, single submitter. Criteria: GeneDx Variant Classification (06012015). Collection method: clinical testing. Allele origin: germline. Affected: yes.
Comment: The I1370M variant has not been published as pathogenic or been reported as benign to our knowledge. The I1370M variant is not observed in large population cohorts (Lek et al., 2016; 1000 Genomes Consortium et al., 2015; Exome Variant Server). This substitution occurs at a position that is conserved in mammals; however, M1370 is wild-type in one non-mammalian species. Additionally, the I1370M variant is a conservative amino acid substitution, which is not likely to impact secondary protein structure as these residues share similar properties. Lastly, in silico analysis is inconsistent in its predictions as to whether or not the variant is damaging to the protein structure/function.